The following is an entry in ClinVar:

NM_133642.5(LARGE1):c.958G>A (p.Ala320Thr)

Gene: LARGE1 (LARGE xylosyl- and glucuronyltransferase 1; minus strand). Cytogenetic location: 22q12.3.
Variant type: single nucleotide variant.
Coding change: c.958G>A on transcript NM_133642.5 (MANE Select); coding-DNA position 958, G replaced by A.
Protein change: p.Ala320Thr; replaces alanine 320 with threonine.
Molecular consequence: missense variant.
Genome position (GRCh38, 1-based): chr22:33,384,239, C>T on the plus strand (G>A on the coding strand, the complement: LARGE1 is on the minus strand). VCF-style: chr22-33384239-C-T. GRCh37 (hg19) VCF-style: chr22-33780225-C-T.
Other names: c.958G>A, p.Ala320Thr (NM_001362949.2, NM_001362951.2, NM_001362953.2 and 7 more transcripts); c.355G>A, p.Ala119Thr (NM_001378630.1, NM_001378631.1); short protein forms A320T, A119T.
Identifiers: ClinVar variation 844402 (VCV000844402.7), dbSNP rs374774937, ClinGen allele CA10202895.
Genomic context (GRCh38, chr22:33,384,239, plus strand): 5'-CCTGGCCACTCACCTGGTCAGCTAAGGATGTAGAGAGCATGCCCATGAGCTCCCTCTCTG[C>T]GGTCAGCCTCCACATCTGCTCCCATTTCATCTTCCGCAGCTTATCCAGAAGTAACAGGAT-3'
Protein context (NP_598397.1, residues 310-330): MKWEQMWRLT[Ala320Thr]ERELMGMLST

ClinVar aggregate classification (germline): Uncertain significance (1 of 4 stars; one submission).

Conditions:
Muscular dystrophy-dystroglycanopathy type B6 (MDDGB6). Also called: MUSCULAR DYSTROPHY, CONGENITAL, LARGE-RELATED; MUSCULAR DYSTROPHY, CONGENITAL, TYPE 1D; MUSCULAR DYSTROPHY-DYSTROGLYCANOPATHY (CONGENITAL WITH IMPAIRED INTELLECTUAL DEVELOPMENT), TYPE B, 6. Identifiers: MedGen C1837229, MONDO:0012138, OMIM 608840.

Allele frequency attached by ClinVar (database versions not stated): gnomAD 0.00001; TOPMed 0.00001.
gnomAD v4.1: 26 of 1,614,030 alleles (0.0016%); highest among the groups gnomAD compares: Admixed American, 0.0033%; no homozygotes.

Submission:

Labcorp Genetics (formerly Invitae), Labcorp
Classification: Uncertain significance for Muscular dystrophy-dystroglycanopathy type B6. Last evaluated: 2022-07-19. Review status: criteria provided, single submitter. Criteria: Invitae Variant Classification Sherloc (09022015). Collection method: clinical testing. Allele origin: germline.
Comment: This sequence change replaces alanine, which is neutral and non-polar, with threonine, which is neutral and polar, at codon 320 of the LARGE1 protein (p.Ala320Thr). This variant is present in population databases (rs374774937, gnomAD 0.006%). This variant has not been reported in the literature in individuals affected with LARGE1-related conditions. ClinVar contains an entry for this variant (Variation ID: 844402). Algorithms developed to predict the effect of missense changes on protein structure and function are either unavailable or do not agree on the potential impact of this missense change (SIFT: "Deleterious"; PolyPhen-2: "Possibly Damaging"; Align-GVGD: "Class C0"). In summary, the available evidence is currently insufficient to determine the role of this variant in disease. Therefore, it has been classified as a Variant of Uncertain Significance.